The following is an entry in ClinVar:

NM_001378454.1(ALMS1):c.8295dup (p.Gln2766fs)

Gene: ALMS1 (ALMS1 centrosome and basal body associated protein; plus strand). Cytogenetic location: 2p13.1.
Variant type: Duplication.
Coding change: c.8295dup on transcript NM_001378454.1 (MANE Select); coding-DNA position 8295, one base duplicated (A; older notation c.8295dupA).
Protein change: p.Gln2766fs; shifts the reading frame from glutamine 2766.
Molecular consequence: frameshift variant.
Genome position (GRCh38, 1-based): chr2:73,490,254, A duplicated; the last of 3 consecutive A bases (chr2:73,490,252-73,490,254); duplicating any one gives the same sequence. VCF-style (leftmost placement, unchanged base first): chr2-73490251-T-TA. GRCh37 (hg19) VCF-style: chr2-73717378-T-TA.
Other names: c.8298dup, p.Gln2767fs (NM_015120.4); short protein forms Q2766fs, Q2767fs.
Identifiers: ClinVar variation 2788370 (VCV002788370.3), dbSNP rs2466215227, ClinGen allele CA2739271087.
Genomic context (GRCh38, chr2:73,490,251, plus strand): 5'-AGCATCTGTGGGGGTATTTAATTCTCATTTCACTGAAGAACAAAATCCTCCCAGAGATCT[T>TA]AAACAGAAAACCTCTTCCCCTTCATCATTTAAAATGCATAGTAATTCACAAGATAAAGAA-3'

ClinVar aggregate classification (germline): Pathogenic (1 of 4 stars; one submission).

Conditions:
Alstrom syndrome (ALMS). Identifiers: Orphanet 64, MedGen C0268425, MONDO:0008763, OMIM 203800.

Submission:

Labcorp Genetics (formerly Invitae), Labcorp
Classification: Pathogenic for Alstrom syndrome. Last evaluated: 2024-01-10. Review status: criteria provided, single submitter. Criteria: Invitae Variant Classification Sherloc (09022015). Collection method: clinical testing. Allele origin: germline.
Comment: This sequence change creates a premature translational stop signal (p.Gln2767Thrfs*10) in the ALMS1 gene. It is expected to result in an absent or disrupted protein product. Loss-of-function variants in ALMS1 are known to be pathogenic (PMID: 17594715). This variant is not present in population databases (gnomAD no frequency). This variant has not been reported in the literature in individuals affected with ALMS1-related conditions. For these reasons, this variant has been classified as Pathogenic.

Literature cited by the submitters: PubMed 17594715.